The following is an entry in ClinVar:

ClinVar aggregate classification (germline): Uncertain significance (1 of 4 stars; one submission).

gnomAD v4.1: 1 of 1,204,799 alleles (0.000083%); highest among the groups gnomAD compares: South Asian, 0.0018%; no homozygotes.

Submission:

GeneDx
Classification: Uncertain significance. Last evaluated: 2025-02-19. Review status: criteria provided, single submitter. Criteria: GeneDx Variant Classification Process June 2021. Collection method: clinical testing. Allele origin: germline. Affected: yes.
Comment: In silico analysis supports that this missense variant has a deleterious effect on protein structure/function; Has not been previously published as pathogenic or benign to our knowledge

NM_001042750.2(STAG2):c.1919G>C (p.Cys640Ser)

Gene: STAG2 (STAG2 cohesin complex component; plus strand). Cytogenetic location: Xq25.
Variant type: single nucleotide variant.
Coding change: c.1919G>C on transcript NM_001042750.2 (MANE Select); coding-DNA position 1919, G replaced by C.
Protein change: p.Cys640Ser; replaces cysteine 640 with serine.
Molecular consequence: missense variant.
Genome position (GRCh38, 1-based): chrX:124,063,945, G>C. VCF-style: chrX-124063945-G-C. GRCh37 (hg19) VCF-style: chrX-123197795-G-C.
Other names: c.1919G>C, p.Cys640Ser (NM_001042749.2, NM_001042751.2, NM_001282418.2 and 23 more transcripts); short protein forms C640S.
Identifiers: ClinVar variation 4076657 (VCV004076657.1).